The following is an entry in ClinVar:

ClinVar aggregate classification (germline): Conflicting classifications of pathogenicity. Review status: criteria provided, conflicting classifications (1 of 4 stars). 3 submissions from 3 submitters: Uncertain significance (1); Likely benign (2). Last evaluated 2024-12-03.

Allele frequency attached by ClinVar (database versions not stated): gnomAD exomes below 0.00001; gnomAD 0.00001; TOPMed 0.00002; ESP Exome Variant Server 0.00008.
gnomAD v4.1: 8 of 1,614,014 alleles (0.0005%); highest among the groups gnomAD compares: East Asian, 0.0045%; no homozygotes.

Submissions (3):

Ambry Genetics
Classification: Likely benign. Last evaluated: 2024-12-03. Review status: criteria provided, single submitter. Criteria: Ambry Variant Classification Scheme 2023. Collection method: clinical testing. Allele origin: germline.

Labcorp Genetics (formerly Invitae), Labcorp
Classification: Uncertain significance. Last evaluated: 2024-04-05. Review status: criteria provided, single submitter. Criteria: Invitae Variant Classification Sherloc (09022015). Collection method: clinical testing. Allele origin: germline.
Comment: This sequence change replaces arginine, which is basic and polar, with glutamine, which is neutral and polar, at codon 417 of the SEMA4A protein (p.Arg417Gln). This variant is present in population databases (rs374441472, gnomAD 0.007%). This variant has not been reported in the literature in individuals affected with SEMA4A-related conditions. ClinVar contains an entry for this variant (Variation ID: 1429245). Advanced modeling of protein sequence and biophysical properties (such as structural, functional, and spatial information, amino acid conservation, physicochemical variation, residue mobility, and thermodynamic stability) performed at Invitae indicates that this missense variant is not expected to disrupt SEMA4A protein function with a negative predictive value of 80%. In summary, the available evidence is currently insufficient to determine the role of this variant in disease. Therefore, it has been classified as a Variant of Uncertain Significance.

Blueprint Genetics
Classification: Likely benign. Last evaluated: 2022-01-29. Review status: criteria provided, single submitter. Criteria: ACMG Guidelines, 2015. Collection method: clinical testing. Allele origin: germline.

NM_022367.4(SEMA4A):c.1250G>A (p.Arg417Gln)

Gene: SEMA4A (semaphorin 4A; plus strand). Cytogenetic location: 1q22.
Variant type: single nucleotide variant.
Coding change: c.1250G>A on transcript NM_022367.4 (MANE Select); coding-DNA position 1250, G replaced by A.
Protein change: p.Arg417Gln; replaces arginine 417 with glutamine.
Molecular consequence: missense variant.
Genome position (GRCh38, 1-based): chr1:156,172,941, G>A. VCF-style: chr1-156172941-G-A. GRCh37 (hg19) VCF-style: chr1-156142732-G-A.
Other names: c.1250G>A, p.Arg417Gln (NM_001193300.2, NM_001193301.2, NM_001370567.1); c.854G>A, p.Arg285Gln (NM_001193302.2); c.953G>A, p.Arg318Gln (NM_001370568.1); c.743G>A, p.Arg248Gln (NM_001370569.1, NM_001370571.1); c.1250G>A (NM_022367.3); short protein forms R318Q, R248Q, R285Q, R417Q.
Identifiers: ClinVar variation 1429245 (VCV001429245.8), dbSNP rs374441472, ClinGen allele CA31001079.